The following is an entry in ClinVar:

NM_001017995.3(SH3PXD2B):c.1098G>A (p.Pro366=)

Gene: SH3PXD2B (SH3 and PX domains 2B; minus strand). Cytogenetic location: 5q35.1.
Variant type: single nucleotide variant.
Coding change: c.1098G>A on transcript NM_001017995.3 (MANE Select); coding-DNA position 1098, G replaced by A.
Protein change: p.Pro366=; no amino-acid change (proline 366 retained).
Molecular consequence: synonymous variant.
Genome position (GRCh38, 1-based): chr5:172,346,226, C>T on the plus strand (G>A on the coding strand, the complement: SH3PXD2B is on the minus strand). VCF-style: chr5-172346226-C-T. GRCh37 (hg19) VCF-style: chr5-171773230-C-T.
Other names: c.1098G>A, p.Pro366= (NM_001308175.2); c.1098G>A (NM_001017995.2).
Identifiers: ClinVar variation 3022319 (VCV003022319.4), dbSNP rs768050049, ClinGen allele CA3561294.
Genomic context (GRCh38, chr5:172,346,226, plus strand): 5'-GCCGTCTGGGATGGTTGTCTGGAATTCGGCGATGGTGTAATACTCTTCCTCCACTTGGGG[C>T]GGGATGGGCGGCTTCGGCAGGTTGAGGCCTCGAGGCTGGTACGATCACACACAGGGTTAT-3'
Protein context (NP_001017995.1, residues 356-376): RGLNLPKPPI[Pro366=]PQVEEEYYTI

ClinVar aggregate classification (germline): Likely benign. Review status: criteria provided, multiple submitters, no conflicts (2 of 4 stars). 2 submissions from 2 submitters: Likely benign (2). Last evaluated 2026-06-04.

Conditions:
SH3PXD2B-related disorder. Also called: SH3PXD2B-related condition.

Allele frequency attached by ClinVar (database versions not stated): ExAC 0.00001; gnomAD 0.00001; gnomAD exomes 0.00002; TOPMed 0.00002.
gnomAD v4.1: 31 of 1,614,008 alleles (0.0019%); highest among the groups gnomAD compares: Middle Eastern, 0.016%; no homozygotes.

Submissions (2):

PreventionGenetics, part of Exact Sciences
Classification: Likely benign for SH3PXD2B-related condition. Last evaluated: 2026-06-04. Review status: criteria provided, single submitter. Criteria: ACMG Guidelines, 2015. Collection method: clinical testing. Allele origin: germline.
Comment: This variant is classified as likely benign based on ACMG/AMP sequence variant interpretation guidelines (Richards et al. 2015 PMID: 25741868, with internal and published modifications).

Labcorp Genetics (formerly Invitae), Labcorp
Classification: Likely benign. Last evaluated: 2024-06-26. Review status: criteria provided, single submitter. Criteria: Invitae Variant Classification Sherloc (09022015). Collection method: clinical testing. Allele origin: germline.